The following is an entry in ClinVar:

NM_000094.4(COL7A1):c.4609G>A (p.Gly1537Ser)

Gene: COL7A1 (collagen type VII alpha 1 chain; minus strand). Cytogenetic location: 3p21.31.
Variant type: single nucleotide variant.
Coding change: c.4609G>A on transcript NM_000094.4 (MANE Select); coding-DNA position 4609, G replaced by A.
Protein change: p.Gly1537Ser; replaces glycine 1537 with serine.
Molecular consequence: missense variant.
Genome position (GRCh38, 1-based): chr3:48,582,349, C>T on the plus strand (G>A on the coding strand, the complement: COL7A1 is on the minus strand). VCF-style: chr3-48582349-C-T. GRCh37 (hg19) VCF-style: chr3-48619782-C-T.
Other names: short protein forms G1537S.
Identifiers: ClinVar variation 2813858 (VCV002813858.3), dbSNP rs2531121156, ClinGen allele CA352687396.

ClinVar aggregate classification (germline): Uncertain significance (1 of 4 stars; one submission).

Submission:

Labcorp Genetics (formerly Invitae), Labcorp
Classification: Uncertain significance. Last evaluated: 2023-08-03. Review status: criteria provided, single submitter. Criteria: Invitae Variant Classification Sherloc (09022015). Collection method: clinical testing. Allele origin: germline.
Comment: This missense change has been observed in individual(s) with clinical features of COL7A1-related conditions (Invitae). Advanced modeling of protein sequence and biophysical properties (such as structural, functional, and spatial information, amino acid conservation, physicochemical variation, residue mobility, and thermodynamic stability) performed at Invitae indicates that this missense variant is expected to disrupt COL7A1 protein function. This variant disrupts the triple helix domain of COL7A1. Glycine residues within the Gly-Xaa-Yaa repeats of the triple helix domain are required for the structure and stability of fibrillar collagens (PMID: 7695699, 8218237, 19344236), and variants at these glycine residues in COL7A1 are more frequently observed in individuals with disease than in the general population (PMID: 22058051). However, the clinical significance of this observation remains uncertain since only a limited number of affected individuals have been described to date. In summary, the available evidence is currently insufficient to determine the role of this variant in disease. Therefore, it has been classified as a Variant of Uncertain Significance. This sequence change replaces glycine, which is neutral and non-polar, with serine, which is neutral and polar, at codon 1537 of the COL7A1 protein (p.Gly1537Ser). This variant is not present in population databases (gnomAD no frequency).

Literature cited by the submitters: PubMed 7695699; PubMed 8218237; PubMed 19344236; PubMed 22058051.